The following is an entry in ClinVar:

NM_001164665.2(KIAA1549):c.2314C>T (p.Pro772Ser)

Gene: KIAA1549 (KIAA1549; minus strand). Cytogenetic location: 7q34.
Variant type: single nucleotide variant.
Coding change: c.2314C>T on transcript NM_001164665.2 (MANE Select); coding-DNA position 2314, C replaced by T.
Protein change: p.Pro772Ser; replaces proline 772 with serine.
Molecular consequence: missense variant.
Genome position (GRCh38, 1-based): chr7:138,917,312, G>A on the plus strand (C>T on the coding strand, the complement: KIAA1549 is on the minus strand). VCF-style: chr7-138917312-G-A. GRCh37 (hg19) VCF-style: chr7-138602058-G-A.
Other names: c.2314C>T, p.Pro772Ser (NM_020910.3); c.2314C>T (NM_001164665.1); short protein forms P772S.
Identifiers: ClinVar variation 1167947 (VCV001167947.12), dbSNP rs200244255, ClinGen allele CA4506533.
Genomic context (GRCh38, chr7:138,917,312, plus strand): 5'-TGGTCAATGGTGATGTTGCTTGAATCCCGGCAGTCAAAATGTCAAAAGACTCAGAGCCGG[G>A]GGGCACCAGTGCAGTGACTGCGGATTCATGGGAAATGAGTGAAGACTCAAGATAGGAGGT-3'
Protein context (NP_001158137.1, residues 762-782): HESAVTALVP[Pro772Ser]GSESFDILTA

ClinVar aggregate classification (germline): Benign/Likely benign. Review status: criteria provided, multiple submitters, no conflicts (2 of 4 stars). 3 submissions from 3 submitters: Benign (1); Likely benign (1). 1 of the submissions does not count toward it. Last evaluated 2026-02-01.

Conditions:
KIAA1549-related disorder. Also called: KIAA1549-related condition.

Allele frequency attached by ClinVar (database versions not stated): gnomAD 0.00024 and 0.00026; TOPMed 0.00025; ExAC 0.00032; ESP Exome Variant Server 0.00041; gnomAD exomes 0.00044.
gnomAD v4.1: 358 of 1,613,756 alleles (0.022%); highest among the groups gnomAD compares: Non-Finnish European, 0.0022%; 4 homozygotes.

Submissions (3):

Labcorp Genetics (formerly Invitae), Labcorp
Classification: Benign. Last evaluated: 2026-02-01. Review status: criteria provided, single submitter. Criteria: Invitae Variant Classification Sherloc (09022015). Collection method: clinical testing. Allele origin: germline.

Blueprint Genetics
Classification: Likely benign. Last evaluated: 2023-08-23. Review status: criteria provided, single submitter. Criteria: ACMG Guidelines, 2015. Collection method: clinical testing. Allele origin: germline.

PreventionGenetics, part of Exact Sciences
Classification: Benign for KIAA1549-related condition. Last evaluated: 2020-02-14. Review status: no assertion criteria provided. Collection method: clinical testing. Allele origin: germline. Not counted in ClinVar's aggregate classification.
Comment: This variant is classified as benign based on ACMG/AMP sequence variant interpretation guidelines (Richards et al. 2015 PMID: 25741868, with internal and published modifications).